The following is an entry in ClinVar:

NM_001130823.3(DNMT1):c.3294C>G (p.Arg1098=)

Gene: DNMT1 (DNA methyltransferase 1; minus strand). Cytogenetic location: 19p13.2.
Variant type: single nucleotide variant.
Coding change: c.3294C>G on transcript NM_001130823.3 (MANE Select); coding-DNA position 3294, C replaced by G.
Protein change: p.Arg1098=; no amino-acid change (arginine 1098 retained).
Molecular consequence: synonymous variant.
Genome position (GRCh38, 1-based): chr19:10,142,043, G>C on the plus strand (C>G on the coding strand, the complement: DNMT1 is on the minus strand). VCF-style: chr19-10142043-G-C. GRCh37 (hg19) VCF-style: chr19-10252719-G-C.
Other names: c.3246C>G, p.Arg1082= (NM_001318730.2, NM_001379.4); c.2931C>G, p.Arg977= (NM_001318731.2).
Identifiers: ClinVar variation 891549 (VCV000891549.5), dbSNP rs775786809, ClinGen allele CA505381692.

ClinVar aggregate classification (germline): Uncertain significance. Review status: criteria provided, multiple submitters, no conflicts (2 of 4 stars). 2 submissions from 2 submitters: Uncertain significance (2). Last evaluated 2022-08-01.

Conditions:
Hereditary sensory neuropathy-deafness-dementia syndrome. Also called: Hereditary sensory neuropathy type IE; HSN IE; NEUROPATHY, HEREDITARY SENSORY, WITH HEARING LOSS AND DEMENTIA; Hereditary Sensory and Autonomic Neuropathy Type 1E (HSAN1E). Identifiers: Orphanet 456318, MedGen C3279885, MONDO:0013584, OMIM 614116.

gnomAD v4.1: 1 of 1,612,382 alleles (0.000062%); highest among the groups gnomAD compares: Non-Finnish European, 0.000085%; no homozygotes.

Submissions (2):

GeneDx
Classification: Uncertain significance. Last evaluated: 2022-08-01. Review status: criteria provided, single submitter. Criteria: GeneDx Variant Classification Process June 2021. Collection method: clinical testing. Allele origin: germline. Affected: yes.
Comment: Not observed at significant frequency in large population cohorts (gnomAD); In silico analysis supports that this variant does not alter splicing; Has not been previously published as pathogenic or benign to our knowledge

Illumina Laboratory Services, Illumina
Classification: Uncertain significance for Hereditary sensory neuropathy-deafness-dementia syndrome. Last evaluated: 2018-01-13. Review status: criteria provided, single submitter. Criteria: ICSL Variant Classification Criteria 13 December 2019. Collection method: clinical testing. Allele origin: germline.